The following is an entry in ClinVar:

NM_005475.3(SH2B3):c.149G>A (p.Arg50Gln)

Gene: SH2B3 (SH2B adaptor protein 3; plus strand). Cytogenetic location: 12q24.12.
Variant type: single nucleotide variant.
Coding change: c.149G>A on transcript NM_005475.3 (MANE Select); coding-DNA position 149, G replaced by A.
Protein change: p.Arg50Gln; replaces arginine 50 with glutamine.
Molecular consequence: missense variant.
Genome position (GRCh38, 1-based): chr12:111,418,294, G>A. VCF-style: chr12-111418294-G-A. GRCh37 (hg19) VCF-style: chr12-111856098-G-A.
Other names: short protein forms R50Q.
Identifiers: ClinVar variation 3953566 (VCV003953566.1).

ClinVar aggregate classification (germline): Uncertain significance (1 of 4 stars; one submission).

Conditions:
Inborn genetic diseases. Identifiers: MedGen C0950123, MeSH D030342.

Submission:

Ambry Genetics
Classification: Uncertain significance for Inborn genetic diseases. Last evaluated: 2025-06-10. Review status: criteria provided, single submitter. Criteria: Ambry Variant Classification Scheme 2023. Collection method: clinical testing. Allele origin: germline.
Comment: The p.R50Q variant (also known as c.149G>A), located in coding exon 1 of the SH2B3 gene, results from a G to A substitution at nucleotide position 149. The arginine at codon 50 is replaced by glutamine, an amino acid with highly similar properties. This amino acid position is conserved. In addition, this alteration is predicted to be tolerated by in silico analysis. Based on the available evidence, the clinical significance of this variant remains unclear.